The following is an entry in ClinVar:

NM_005359.6(SMAD4):c.969G>C (p.Trp323Cys)

Gene: SMAD4 (SMAD family member 4; plus strand). Cytogenetic location: 18q21.2.
Variant type: single nucleotide variant.
Coding change: c.969G>C on transcript NM_005359.6 (MANE Select); coding-DNA position 969, G replaced by C.
Protein change: p.Trp323Cys; replaces tryptophan 323 with cysteine.
Molecular consequence: missense variant. On other transcripts: non-coding transcript variant (2).
Genome position (GRCh38, 1-based): chr18:51,065,436, G>C. VCF-style: chr18-51065436-G-C. GRCh37 (hg19) VCF-style: chr18-48591806-G-C.
Other names: c.969G>C, p.Trp323Cys (NM_001407041.1, NM_001407042.1, NM_001407043.1); short protein forms W323C.
Identifiers: ClinVar variation 4803025 (VCV004803025.1).
Genomic context (GRCh38, chr18:51,065,436, plus strand): 5'-TATATCTTTCTCATGGGAGGATGTTCTTTCCCATTTATTTCCTATAGCTCCTGAGTATTG[G>C]TGTTCCATTGCTTACTTTGAAATGGATGTTCAGGTAGGAGAGACATTTAAGGTTCCTTCA-3'
Protein context (NP_005350.1, residues 313-333): PISNHPAPEY[Trp323Cys]CSIAYFEMDV

ClinVar aggregate classification (germline): Uncertain significance (1 of 4 stars; one submission).

Conditions:
Juvenile polyposis syndrome (JPS). Identifiers: Orphanet 2929, MedGen C0345893, MONDO:0017380, OMIM 174900.

Submission:

Labcorp Genetics (formerly Invitae), Labcorp
Classification: Uncertain significance for Juvenile polyposis syndrome. Last evaluated: 2025-06-22. Review status: criteria provided, single submitter. Criteria: Invitae Variant Classification Sherloc (09022015). Collection method: clinical testing. Allele origin: germline.
Comment: This sequence change replaces tryptophan, which is neutral and slightly polar, with cysteine, which is neutral and slightly polar, at codon 323 of the SMAD4 protein (p.Trp323Cys). This variant is not present in population databases (gnomAD no frequency). This variant has not been reported in the literature in individuals affected with SMAD4-related conditions. Invitae Evidence Modeling of protein sequence and biophysical properties (such as structural, functional, and spatial information, amino acid conservation, physicochemical variation, residue mobility, and thermodynamic stability) has been performed for this missense variant. However, the output from this modeling did not meet the statistical confidence thresholds required to predict the impact of this variant on SMAD4 protein function. In summary, the available evidence is currently insufficient to determine the role of this variant in disease. Therefore, it has been classified as a Variant of Uncertain Significance.